The following is an entry in ClinVar:

NM_181332.3(NLGN4X):c.325G>A (p.Val109Met)

Gene: NLGN4X (neuroligin 4 X-linked; minus strand). Cytogenetic location: Xp22.31.
Variant type: single nucleotide variant.
Coding change: c.325G>A on transcript NM_181332.3 (MANE Select); coding-DNA position 325, G replaced by A.
Protein change: p.Val109Met; replaces valine 109 with methionine.
Molecular consequence: missense variant.
Genome position (GRCh38, 1-based): chrX:6,151,142, C>T on the plus strand (G>A on the coding strand, the complement: NLGN4X is on the minus strand). VCF-style: chrX-6151142-C-T. GRCh37 (hg19) VCF-style: chrX-6069183-C-T.
Other names: c.325G>A, p.Val109Met (NM_001282145.2, NM_001282146.2, NM_001441322.1 and 4 more transcripts); short protein forms V109M.
Identifiers: ClinVar variation 4855566 (VCV004855566.1).
Genomic context (GRCh38, chrX:6,151,142, plus strand): 5'-TAAACCAGATGGGCAGCATGTCATGCAGTAAGGATCTCTCATCCAGGTGCTGGGGGCACA[C>T]AGCAGCAAACTGAGTAGTATTTCGGATGCCAGTCCAGGAGGACGGGGGTTCTGGGGGCTG-3'
Protein context (NP_851849.1, residues 99-119): GIRNTTQFAA[Val109Met]CPQHLDERSL

ClinVar aggregate classification (germline): Uncertain significance (1 of 4 stars; one submission).

Conditions:
Autism, susceptibility to, X-linked 2 (AUTSX2). Also called: Autism susceptibility, X-linked 2. Identifiers: MedGen C1845539, MONDO:0010341, OMIM 300495.

gnomAD v4.1: 1 of 1,211,612 alleles (0.000083%); highest among the groups gnomAD compares: Non-Finnish European, 0.00011%; no homozygotes.

Submission:

3billion
Classification: Uncertain significance for Autism, susceptibility to, X-linked 2. Last evaluated: 2025-10-14. Review status: criteria provided, single submitter. Criteria: ACMG Guidelines, 2015. Collection method: clinical testing. Allele origin: germline. Affected: yes.
Comment: The variant is observed at an extremely low frequency in the gnomAD v4.1.0 dataset (total allele frequency: <0.001%). Predicted Consequence/Location: Missense variant Therefore, this variant is classified as VUS according to the recommendation of ACMG/AMP guideline.